The following is an entry in ClinVar:

ClinVar aggregate classification (germline): Pathogenic/Likely pathogenic. Review status: criteria provided, multiple submitters, no conflicts (2 of 4 stars). 7 submissions from 7 submitters: Pathogenic (4); Likely pathogenic (3). Last evaluated 2025-11-14.

Conditions:
Cardiovascular phenotype. Identifiers: MedGen CN230736.
ALPK3-related disorder. Also called: ALPK3-related condition.
Cardiomyopathy, familial hypertrophic 27. Identifiers: MedGen C4748014, MONDO:0054838, OMIM 618052.

Submissions (7):

PreventionGenetics, part of Exact Sciences
Classification: Likely pathogenic for ALPK3-related condition. Last evaluated: 2025-11-14. Review status: criteria provided, single submitter. Criteria: ACMG Guidelines, 2015. Collection method: clinical testing. Allele origin: germline.
Comment: The ALPK3 c.667_668delinsT variant is predicted to result in a frameshift and premature protein termination (p.Gly223Serfs*88). To our knowledge, this variant has not been reported in the literature. This variant has not been reported in a large population database; however, the coverage of this variant should be interpreted with caution. Frameshift variants in ALPK3 are expected to be pathogenic. This variant is interpreted as likely pathogenic.

Labcorp Genetics (formerly Invitae), Labcorp
Classification: Pathogenic. Last evaluated: 2025-03-26. Review status: criteria provided, single submitter. Criteria: Invitae Variant Classification Sherloc (09022015). Collection method: clinical testing. Allele origin: germline.
Comment: This sequence change creates a premature translational stop signal (p.Gly223Serfs*88) in the ALPK3 gene. It is expected to result in an absent or disrupted protein product. Loss-of-function variants in ALPK3 are known to be pathogenic (PMID: 21441111, 26846950, 27106955, 34263907). The frequency data for this variant in the population databases is considered unreliable, as metrics indicate poor data quality at this position in the gnomAD database. This variant has not been reported in the literature in individuals affected with ALPK3-related conditions. ClinVar contains an entry for this variant (Variation ID: 2624481). For these reasons, this variant has been classified as Pathogenic.

Victorian Clinical Genetics Services, Murdoch Childrens Research Institute
Classification: Pathogenic for Cardiomyopathy, familial hypertrophic 27. Last evaluated: 2024-10-11. Review status: criteria provided, single submitter. Criteria: ACMG Guidelines, 2015. Collection method: clinical testing. Allele origin: germline. Inheritance: Autosomal dominant inheritance.
Comment: Based on the classification scheme VCGS_Germline_v1.3.5, this variant is classified as Pathogenic. Following criteria are met: 0102 - Loss of function is a known mechanism of disease in this gene and is associated with familial hypertrophic cardiomyopathy 27 (MIM#618052). (I) 0108 - This gene is associated with both recessive and dominant disease (PMID: 34263907). (I) 0112 - The condition associated with this gene has incomplete penetrance. Age-dependent penetrance has been observed in the autosomal dominant condition (PMID: 32480058, 34263907). (I) 0201 - Variant is predicted to cause nonsense-mediated decay (NMD) and loss of protein (premature termination codon is located at least 54 nucleotides upstream of the final exon-exon junction). (SP) 0251 - This variant is heterozygous. (I) 0301 - Variant is absent from gnomAD (v2, v3 and v4). (SP) 0701 - Other NMD predicted variants comparable to the one identified in this case have very strong previous evidence for pathogenicity. Other variants predicted to cause NMD have been reported in ClinVar as pathogenic in individuals with cardiomyopathy. Monoallelic NMD-predicted ALPK3 variants have also been reported in adults with hypertrophic cardiomyopathy with age-dependent penetrance (PMID: 32480058, 34263907, 38356193). (SP) 0802 - This variant has moderate previous evidence of pathogenicity in unrelated individuals. This variant has been reported twice as pathogenic and once as likely pathogenic (ClinVar). (SP) 0905 - No published segregation evidence has been identified for this variant. (I) 1007 - No published functional evidence has been identified for this variant. (I) 1208 - Inheritance information for this variant is not currently available in this individual. (I) Legend: (SP) - Supporting pathogenic, (I) - Information, (SB) - Supporting benign

North West Genomic Laboratory Hub, Manchester University NHS Foundation Trust
Classification: Pathogenic for Cardiomyopathy, familial hypertrophic 27. Last evaluated: 2024-10-03. Review status: criteria provided, single submitter. Criteria: ACGS Best Practice Guidelines for Variant Classification in Rare Disease 2020. Collection method: clinical testing. Allele origin: germline. Affected: yes.
Comment: PM2_Mod PVS1_VStr

Ambry Genetics
Classification: Pathogenic for Cardiovascular phenotype. Last evaluated: 2023-04-03. Review status: criteria provided, single submitter. Criteria: Ambry Variant Classification Scheme 2023. Collection method: clinical testing. Allele origin: germline.
Comment: The c.667_668delGGinsT pathogenic mutation, located in coding exon 1 of the ALPK3 gene, results from the deletion of two nucleotides and insertion of one nucleotide causing a translational frameshift with a predicted alternate stop codon (p.G223Sfs*88). This alteration is expected to result in loss of function by premature protein truncation or nonsense-mediated mRNA decay. As such, this alteration is interpreted as a disease-causing mutation.

GeneDx
Classification: Likely pathogenic. Last evaluated: 2023-01-24. Review status: criteria provided, single submitter. Criteria: GeneDx Variant Classification Process June 2021. Collection method: clinical testing. Allele origin: germline. Affected: yes.
Comment: Frameshift variant predicted to result in protein truncation or nonsense mediated decay in a gene for which loss of function is a known mechanism of disease; Not observed at significant frequency in large population cohorts (gnomAD); Has not been previously published as pathogenic or benign to our knowledge

Blueprint Genetics
Classification: Likely pathogenic for ALPK3-related disorders. Last evaluated: 2020-04-17. Review status: criteria provided, single submitter. Criteria: ACMG Guidelines, 2015. Collection method: clinical testing. Allele origin: germline. Affected: yes. Observed: 1 variant allele.

Literature cited by the submitters: PubMed 21441111 (cited by Labcorp Genetics (formerly Invitae), Labcorp); PubMed 26846950 (cited by Labcorp Genetics (formerly Invitae), Labcorp); PubMed 27106955 (cited by Labcorp Genetics (formerly Invitae), Labcorp); PubMed 34263907 (cited by 3 submitters); PubMed 32480058 (cited by Victorian Clinical Genetics Services, Murdoch Childrens Research Institute and North West Genomic Laboratory Hub, Manchester University NHS Foundation Trust); PubMed 38356193 (cited by Victorian Clinical Genetics Services, Murdoch Childrens Research Institute).

NM_020778.5(ALPK3):c.61_62delinsT (p.Gly21fs)

Gene: ALPK3 (alpha kinase 3; plus strand). Cytogenetic location: 15q25.3.
Variant type: Indel.
Coding change: c.61_62delinsT on transcript NM_020778.5 (MANE Select); coding-DNA positions 61 to 62, GG replaced by T.
Protein change: p.Gly21fs; shifts the reading frame from glycine 21.
Molecular consequence: frameshift variant.
Genome position (GRCh38, 1-based): chr15:84,817,513-84,817,514, GG replaced by T. VCF-style: chr15-84817513-GG-T. GRCh37 (hg19) VCF-style: chr15-85360744-GG-T.
Other names: c.667_668delinsT (NM_020778.4); short protein forms G21fs.
Identifiers: ClinVar variation 1754800 (VCV001754800.12), dbSNP rs2505689253, ClinGen allele CA2580090114.